The following is an entry in ClinVar:

ClinVar aggregate classification (germline): Uncertain significance (1 of 4 stars; one submission).

Conditions:
Infantile-onset ascending hereditary spastic paralysis (IAHSP). Also called: Autosomal Recessive Juvenile Amyotrophic Lateral Sclerosis; Infantile-Onset Ascending Hereditary Spastic Paralysis (IAHSP). Identifiers: Orphanet 293168, MedGen C2931441, MONDO:0011797, OMIM 607225. Disease mechanism: loss of function.

Allele frequency attached by ClinVar (database versions not stated): ExAC 0.00001; gnomAD 0.00001 and 0.00002; gnomAD exomes 0.00001 and 0.00003; TOPMed 0.00002.
gnomAD v4.1: 13 of 1,614,116 alleles (0.00081%); highest among the groups gnomAD compares: Admixed American, 0.012%; no homozygotes.

Submission:

Labcorp Genetics (formerly Invitae), Labcorp
Classification: Uncertain significance for Infantile-onset ascending hereditary spastic paralysis. Last evaluated: 2022-02-09. Review status: criteria provided, single submitter. Criteria: Invitae Variant Classification Sherloc (09022015). Collection method: clinical testing. Allele origin: germline.
Comment: In summary, the available evidence is currently insufficient to determine the role of this variant in disease. Therefore, it has been classified as a Variant of Uncertain Significance. Algorithms developed to predict the effect of missense changes on protein structure and function are either unavailable or do not agree on the potential impact of this missense change (SIFT: "Deleterious"; PolyPhen-2: "Benign"; Align-GVGD: "Class C0"). ClinVar contains an entry for this variant (Variation ID: 859842). This missense change has been observed in individual(s) with ALS2-related conditions (PMID: 25558820). This variant is present in population databases (rs757425560, gnomAD 0.01%). This sequence change replaces aspartic acid, which is acidic and polar, with glycine, which is neutral and non-polar, at codon 1319 of the ALS2 protein (p.Asp1319Gly).

Literature cited by the submitters: PubMed 25558820.

NM_020919.4(ALS2):c.3956A>G (p.Asp1319Gly)

Gene: ALS2 (alsin Rho guanine nucleotide exchange factor ALS2; minus strand). Cytogenetic location: 2q33.1.
Variant type: single nucleotide variant.
Coding change: c.3956A>G on transcript NM_020919.4 (MANE Select); coding-DNA position 3956, A replaced by G.
Protein change: p.Asp1319Gly; replaces aspartic acid 1319 with glycine.
Molecular consequence: missense variant.
Genome position (GRCh38, 1-based): chr2:201,715,720, T>C on the plus strand (A>G on the coding strand, the complement: ALS2 is on the minus strand). VCF-style: chr2-201715720-T-C. GRCh37 (hg19) VCF-style: chr2-202580443-T-C.
Other names: short protein forms D1319G.
Identifiers: ClinVar variation 859842 (VCV000859842.7), dbSNP rs757425560, ClinGen allele CA2057716.